The following is an entry in ClinVar:

ClinVar aggregate classification (germline): Uncertain significance (1 of 4 stars; one submission).

Allele frequency attached by ClinVar (database versions not stated): TOPMed below 0.00001; gnomAD 0.00001.
gnomAD v4.1: 14 of 1,613,950 alleles (0.00087%); highest among the groups gnomAD compares: Non-Finnish European, 0.0011%; no homozygotes.

Submission:

Labcorp Genetics (formerly Invitae), Labcorp
Classification: Uncertain significance. Last evaluated: 2025-11-14. Review status: criteria provided, single submitter. Criteria: Invitae Variant Classification Sherloc (09022015). Collection method: clinical testing. Allele origin: germline.
Comment: This sequence change replaces serine, which is neutral and polar, with proline, which is neutral and non-polar, at codon 1084 of the VCAN protein (p.Ser1084Pro). This variant is present in population databases (no rsID available, gnomAD 0.002%). This variant has not been reported in the literature in individuals affected with VCAN-related conditions. ClinVar contains an entry for this variant (Variation ID: 2040430). An algorithm developed to predict the effect of missense changes on protein structure and function (PolyPhen-2) suggests that this variant is likely to be disruptive. In summary, the available evidence is currently insufficient to determine the role of this variant in disease. Therefore, it has been classified as a Variant of Uncertain Significance.

NM_004385.5(VCAN):c.3250T>C (p.Ser1084Pro)

Gene: VCAN (versican; plus strand). Cytogenetic location: 5q14.3.
Variant type: single nucleotide variant.
Coding change: c.3250T>C on transcript NM_004385.5 (MANE Select); coding-DNA position 3250, T replaced by C.
Protein change: p.Ser1084Pro; replaces serine 1084 with proline.
Molecular consequence: missense variant. On other transcripts: intron variant (2).
Genome position (GRCh38, 1-based): chr5:83,521,556, T>C. VCF-style: chr5-83521556-T-C. GRCh37 (hg19) VCF-style: chr5-82817375-T-C.
Other names: c.3250T>C, p.Ser1084Pro (NM_001164098.2); c.1042+9160T>C (NM_001164097.2, NM_001126336.3); short protein forms S1084P.
Identifiers: ClinVar variation 2040430 (VCV002040430.4), dbSNP rs751923676, ClinGen allele CA360305656.